The following is an entry in ClinVar:

ClinVar aggregate classification (germline): Pathogenic (1 of 4 stars; one submission).

Conditions:
Chédiak-Higashi syndrome (CHS). Also called: Chediak-Higashi Syndrome. Identifiers: Orphanet 167, MedGen C0007965, MONDO:0008963, OMIM 214500.

Submission:

Labcorp Genetics (formerly Invitae), Labcorp
Classification: Pathogenic for Chédiak-Higashi syndrome. Last evaluated: 2022-10-27. Review status: criteria provided, single submitter. Criteria: Invitae Variant Classification Sherloc (09022015). Collection method: clinical testing. Allele origin: germline.
Comment: For these reasons, this variant has been classified as Pathogenic. This variant has not been reported in the literature in individuals affected with LYST-related conditions. This variant is not present in population databases (gnomAD no frequency). This sequence change creates a premature translational stop signal (p.Gln2133*) in the LYST gene. It is expected to result in an absent or disrupted protein product. Loss-of-function variants in LYST are known to be pathogenic (PMID: 9215679, 11857544).

Literature cited by the submitters: PubMed 9215679; PubMed 11857544.

NM_000081.4(LYST):c.6397C>T (p.Gln2133Ter)

Gene: LYST (lysosomal trafficking regulator; minus strand). Cytogenetic location: 1q42.3.
Variant type: single nucleotide variant.
Coding change: c.6397C>T on transcript NM_000081.4 (MANE Select); coding-DNA position 6397, C replaced by T.
Protein change: p.Gln2133Ter; replaces glutamine 2133 with a stop codon.
Molecular consequence: nonsense.
Genome position (GRCh38, 1-based): chr1:235,759,456, G>A on the plus strand (C>T on the coding strand, the complement: LYST is on the minus strand). VCF-style: chr1-235759456-G-A. GRCh37 (hg19) VCF-style: chr1-235922756-G-A.
Other names: c.6397C>T, p.Gln2133Ter (NM_001301365.1); short protein forms Q2133*.
Identifiers: ClinVar variation 2036761 (VCV002036761.4), dbSNP rs2527811287, ClinGen allele CA344942236.